The following is an entry in ClinVar:

ClinVar aggregate classification (germline): Likely pathogenic (1 of 4 stars; one submission).

Submission:

GeneDx
Classification: Likely pathogenic. Last evaluated: 2025-07-13. Review status: criteria provided, single submitter. Criteria: GeneDx Variant Classification Process June 2021. Collection method: clinical testing. Allele origin: germline. Affected: yes.
Comment: Not observed at significant frequency in large population cohorts (gnomAD); Has not been previously published as pathogenic or benign to our knowledge; In-frame deletion of 6 amino acids and insertion of 1 different amino acidin a non-repeat region predicted to critically alter the protein; In silico analysis supports a deleterious effect on protein structure/function; This variant is associated with the following publications: (PMID: 22396785)

NM_000238.4(KCNH2):c.135_149del (p.Asn45_Glu50delinsLys)

Gene: KCNH2 (potassium voltage-gated channel subfamily H member 2; minus strand). Cytogenetic location: 7q36.1.
Variant type: Deletion.
Coding change: c.135_149del on transcript NM_000238.4 (MANE Select); coding-DNA positions 135 to 149, 15 bases deleted (CGACGGCTTCTGCGA).
Protein change: p.Asn45_Glu50delinsLys.
Molecular consequence: inframe indel. On other transcripts: 5 prime UTR variant (1), non-coding transcript variant (1).
Genome position (GRCh38, 1-based): chr7:150,974,869-150,974,883, TCGCAGAAGCCGTCG deleted on the plus strand (CGACGGCTTCTGCGA on the coding strand, the reverse complement: KCNH2 is on the minus strand); deleting any 15 consecutive bases within chr7:150,974,869-150,974,884 gives the same sequence; the c. name uses the placement nearest the transcript's 3' end. VCF-style (leftmost placement, unchanged base first): chr7-150974868-CTCGCAGAAGCCGTCG-C. GRCh37 (hg19) VCF-style: chr7-150671956-CTCGCAGAAGCCGTCG-C.
Other names: c.-43_-29del (NM_001406755.1); c.135_149del, p.Asn45_Glu50delinsLys (NM_172056.3).
Identifiers: ClinVar variation 4686179 (VCV004686179.1).